The following is an entry in ClinVar:

ClinVar aggregate classification (germline): Uncertain significance (1 of 4 stars; one submission).

Allele frequency attached by ClinVar (database versions not stated): TOPMed below 0.00001; gnomAD 0.00001.
gnomAD v4.1: 2 of 1,613,878 alleles (0.00012%); highest among the groups gnomAD compares: Non-Finnish European, 0.00017%; no homozygotes.

Submission:

Labcorp Genetics (formerly Invitae), Labcorp
Classification: Uncertain significance. Last evaluated: 2022-02-28. Review status: criteria provided, single submitter. Criteria: Invitae Variant Classification Sherloc (09022015). Collection method: clinical testing. Allele origin: germline.
Comment: In summary, the available evidence is currently insufficient to determine the role of this variant in disease. Therefore, it has been classified as a Variant of Uncertain Significance. Algorithms developed to predict the effect of missense changes on protein structure and function are either unavailable or do not agree on the potential impact of this missense change (SIFT: "Tolerated"; PolyPhen-2: "Probably Damaging"; Align-GVGD: "Class C0"). This variant has not been reported in the literature in individuals affected with RDH11-related conditions. This variant is not present in population databases (gnomAD no frequency). This sequence change replaces alanine, which is neutral and non-polar, with proline, which is neutral and non-polar, at codon 208 of the RDH11 protein (p.Ala208Pro).

NM_016026.4(RDH11):c.622G>C (p.Ala208Pro)

Genes: GPHN (gephyrin; plus strand), RDH11 (retinol dehydrogenase 11; minus strand). Cytogenetic location: 14q24.1.
Variant type: single nucleotide variant.
Coding change: c.622G>C on transcript NM_016026.4 (MANE Select); coding-DNA position 622, G replaced by C.
Protein change: p.Ala208Pro; replaces alanine 208 with proline.
Molecular consequence: missense variant. On other transcripts: intron variant (1).
Genome position (GRCh38, 1-based): chr14:67,690,254, C>G on the plus strand (G>C on the coding strand, the complement: RDH11 is on the minus strand). VCF-style: chr14-67690254-C-G. GRCh37 (hg19) VCF-style: chr14-68156971-C-G.
Other names: c.454+886G>C (NM_001252650.2); short protein forms A208P.
Identifiers: ClinVar variation 2104486 (VCV002104486.4), dbSNP rs1278041592, ClinGen allele CA390132937.